The following is an entry in ClinVar:

ClinVar aggregate classification (germline): Uncertain significance (1 of 4 stars; one submission).

Conditions:
Cardiovascular phenotype. Identifiers: MedGen CN230736.

Submission:

Ambry Genetics
Classification: Uncertain significance for Cardiovascular phenotype. Last evaluated: 2025-07-29. Review status: criteria provided, single submitter. Criteria: Ambry Variant Classification Scheme 2023. Collection method: clinical testing. Allele origin: germline.
Comment: The p.S59T variant (also known as c.175T>A), located in coding exon 2 of the ABCG5 gene, results from a T to A substitution at nucleotide position 175. The serine at codon 59 is replaced by threonine, an amino acid with similar properties. This amino acid position is conserved. In addition, this alteration is predicted to be tolerated by in silico analysis. Based on the available evidence, the clinical significance of this variant remains unclear.

NM_022436.3(ABCG5):c.175T>A (p.Ser59Thr)

Gene: ABCG5 (ATP binding cassette subfamily G member 5; minus strand). Cytogenetic location: 2p21.
Variant type: single nucleotide variant.
Coding change: c.175T>A on transcript NM_022436.3 (MANE Select); coding-DNA position 175, T replaced by A.
Protein change: p.Ser59Thr; replaces serine 59 with threonine.
Molecular consequence: missense variant.
Genome position (GRCh38, 1-based): chr2:43,837,924, A>T on the plus strand (T>A on the coding strand, the complement: ABCG5 is on the minus strand). VCF-style: chr2-43837924-A-T. GRCh37 (hg19) VCF-style: chr2-44065063-A-T.
Other names: short protein forms S59T.
Identifiers: ClinVar variation 4146833 (VCV004146833.1).
Genomic context (GRCh38, chr2:43,837,924, plus strand): 5'-CGCTCTCCACGTACAAGGAGACATCTTTGAGGATCTGCCTGGTCCACTGCTGCCGGCAAG[A>T]TGTGATGTCCCACCAGGGCCTCACGCGGTGGCTTTAAAGGAAACCCCAGGAAGGCAAAGG-3'
Protein context (NP_071881.1, residues 49-69): HRVRPWWDIT[Ser59Thr]CRQQWTRQIL